The following is an entry in ClinVar:

ClinVar aggregate classification (germline): Uncertain significance (1 of 4 stars; one submission).

Conditions:
Developmental and epileptic encephalopathy, 34 (DEE34). Also called: SLC12A5-Related Epilepsy of Infancy with Migrating Focal Seizures; Early infantile epileptic encephalopathy 34. Identifiers: Orphanet 293181, MedGen C4225257, MONDO:0014718, OMIM 616645.

Submission:

Labcorp Genetics (formerly Invitae), Labcorp
Classification: Uncertain significance for Developmental and epileptic encephalopathy, 34. Last evaluated: 2021-10-21. Review status: criteria provided, single submitter. Criteria: Invitae Variant Classification Sherloc (09022015). Collection method: clinical testing. Allele origin: germline.
Comment: This variant is not present in population databases (ExAC no frequency). In summary, the available evidence is currently insufficient to determine the role of this variant in disease. Therefore, it has been classified as a Variant of Uncertain Significance. Advanced modeling of protein sequence and biophysical properties (such as structural, functional, and spatial information, amino acid conservation, physicochemical variation, residue mobility, and thermodynamic stability) performed at Invitae indicates that this missense variant is not expected to disrupt SLC12A5 protein function. This variant has not been reported in the literature in individuals affected with SLC12A5-related conditions. This sequence change replaces methionine with leucine at codon 1102 of the SLC12A5 protein (p.Met1102Leu). The methionine residue is moderately conserved and there is a small physicochemical difference between methionine and leucine.

NM_020708.5(SLC12A5):c.3304A>T (p.Met1102Leu)

Genes: SLC12A5 (solute carrier family 12 member 5; plus strand), LOC113960611 (Sharpr-MPRA regulatory region 3425; plus strand). Cytogenetic location: 20q13.12.
Variant type: single nucleotide variant.
Coding change: c.3304A>T on transcript NM_020708.5 (MANE Select); coding-DNA position 3304, A replaced by T.
Protein change: p.Met1102Leu; replaces methionine 1102 with leucine.
Molecular consequence: missense variant.
Genome position (GRCh38, 1-based): chr20:46,057,558, A>T. VCF-style: chr20-46057558-A-T. GRCh37 (hg19) VCF-style: chr20-44686197-A-T.
Other names: c.3373A>T, p.Met1125Leu (NM_001134771.2); short protein forms M1102L, M1125L.
Identifiers: ClinVar variation 1440495 (VCV001440495.6), dbSNP rs2084707984, ClinGen allele CA409210495.